The following is an entry in ClinVar:

NM_022552.5(DNMT3A):c.1647C>A (p.Cys549Ter)

Gene: DNMT3A (DNA methyltransferase 3 alpha; minus strand). Cytogenetic location: 2p23.3.
Variant type: single nucleotide variant.
Coding change: c.1647C>A on transcript NM_022552.5 (MANE Select); coding-DNA position 1647, C replaced by A.
Protein change: p.Cys549Ter; replaces cysteine 549 with a stop codon.
Molecular consequence: nonsense. On other transcripts: non-coding transcript variant (1).
Genome position (GRCh38, 1-based): chr2:25,244,560, G>T on the plus strand (C>A on the coding strand, the complement: DNMT3A is on the minus strand). VCF-style: chr2-25244560-G-T. GRCh37 (hg19) VCF-style: chr2-25467429-G-T.
Other names: c.1191C>A, p.Cys397Ter (NM_001320893.1); c.978C>A, p.Cys326Ter (NM_001375819.1); c.1080C>A, p.Cys360Ter (NM_153759.3); c.1647C>A, p.Cys549Ter (NM_175629.2); short protein forms C326*, C360*, C397*, C549*.
Identifiers: ClinVar variation 1332907 (VCV001332907.5), dbSNP rs574130689, ClinGen allele CA346072104.
Genomic context (GRCh38, chr2:25,244,560, plus strand): 5'-GCCCAGCTAAGGAGACCACTGGAGGCCACAACAGCCTCACCTGCAGCAGTTGTTGTTTCC[G>T]CACATGAGCACCTCACGGCCCCCACAGCAGATGGTGCAGTAGGACTGGTAGCCGTCGTCG-3'

ClinVar aggregate classification (germline): Pathogenic. Review status: criteria provided, multiple submitters, no conflicts (2 of 4 stars). 2 submissions from 2 submitters: Pathogenic (2). Last evaluated 2023-06-09.

Conditions:
Tatton-Brown-Rahman overgrowth syndrome. Also called: Tall stature-intellectual disability-facial dysmorphism syndrome; Tatton-Brown-Rahman syndrome. Identifiers: Orphanet 404443, MedGen C4014545, MONDO:0014382, OMIM 615879.
Specific learning disability. Identifiers: Orphanet 211047, MedGen C4025790, MONDO:0016225, HP:0001328.
Optic disc pallor. Identifiers: MedGen C0554970, HP:0000543.
Large for gestational age. Identifiers: MedGen C1848395, HP:0001520.
Obesity. Also called: Obesity disorder. Identifiers: Orphanet 71529, MedGen C0028754, MeSH D009765, MONDO:0011122, HP:0001513.
Global developmental delay (DD). Also called: Cognitive delay. Identifiers: MedGen C0557874, HP:0001263. Disease mechanism: loss of function.
Macrocephaly. Also called: large head; Macrocephalus. Identifiers: MedGen C2243051, HP:0000256.

gnomAD v4.1: 2 of 1,614,182 alleles (0.00012%); highest among the groups gnomAD compares: Non-Finnish European, 0.000085%; no homozygotes.

Submissions (2):

Labcorp Genetics (formerly Invitae), Labcorp
Classification: Pathogenic for Tatton-Brown-Rahman overgrowth syndrome. Last evaluated: 2023-06-09. Review status: criteria provided, single submitter. Criteria: Invitae Variant Classification Sherloc (09022015). Collection method: clinical testing. Allele origin: germline.
Comment: For these reasons, this variant has been classified as Pathogenic. ClinVar contains an entry for this variant (Variation ID: 1332907). This variant has not been reported in the literature in individuals affected with DNMT3A-related conditions. This variant is not present in population databases (gnomAD no frequency). This sequence change creates a premature translational stop signal (p.Cys549*) in the DNMT3A gene. It is expected to result in an absent or disrupted protein product. Loss-of-function variants in DNMT3A are known to be pathogenic (PMID: 24614070).

Centre of Medical Genetics, University Hospital Muenster
Classification: Pathogenic for Macrocephaly; Global developmental delay; Obesity; Optic disc pallor; Large for gestational age; Specific learning disability. Last evaluated: 2021-12-04. Review status: criteria provided, single submitter. Criteria: ACMG Guidelines, 2015. Collection method: clinical testing. Allele origin: de novo. Affected: yes. Observed: 1 variant allele, 1 heterozygote.
Comment: ACMG categories: PVS1,PS2,PM2,PP4

Literature cited by the submitters: PubMed 24614070 (cited by Labcorp Genetics (formerly Invitae), Labcorp).